The following is an entry in ClinVar:

ClinVar aggregate classification (germline): Likely benign (1 of 4 stars; one submission).

gnomAD v4.1: 10 of 1,613,794 alleles (0.00062%); highest among the groups gnomAD compares: Non-Finnish European, 0.00076%; no homozygotes.

Submission:

CeGaT Center for Human Genetics Tuebingen
Classification: Likely benign. Last evaluated: 2026-05-01. Review status: criteria provided, single submitter. Criteria: CeGaT Center For Human Genetics Tuebingen Variant Classification Criteria Version 2. Collection method: clinical testing. Allele origin: germline. Affected: yes. Observed: 1 variant allele.
Comment: DPF2: PP3, BS2

NM_006268.5(DPF2):c.215A>G (p.Tyr72Cys)

Gene: DPF2 (double PHD fingers 2; plus strand). Cytogenetic location: 11q13.1.
Variant type: single nucleotide variant.
Coding change: c.215A>G on transcript NM_006268.5 (MANE Select); coding-DNA position 215, A replaced by G.
Protein change: p.Tyr72Cys; replaces tyrosine 72 with cysteine.
Molecular consequence: missense variant.
Genome position (GRCh38, 1-based): chr11:65,340,987, A>G. VCF-style: chr11-65340987-A-G. GRCh37 (hg19) VCF-style: chr11-65108458-A-G.
Other names: c.215A>G, p.Tyr72Cys (NM_001330308.2); short protein forms Y72C.
Identifiers: ClinVar variation 4872651 (VCV004872651.2).
Genomic context (GRCh38, chr11:65,340,987, plus strand): 5'-TGGGTTAGGGCCTGACTTCTATCTTTCTTCCTGCCACAGGATTGGCCTCCGGACAGCTGT[A>G]CTCCTACCCTGCCCGGCGCTGGCGGAAAAAGCGGCGAGCCCATCCCCCTGAGGATCCACG-3'
Protein context (NP_006259.1, residues 62-82): RGPGLASGQL[Tyr72Cys]SYPARRWRKK